The following is an entry in ClinVar:

NM_000528.4(MAN2B1):c.1231-1G>C

Gene: MAN2B1 (mannosidase alpha class 2B member 1; minus strand). Cytogenetic location: 19p13.13.
Variant type: single nucleotide variant.
Coding change: c.1231-1G>C on transcript NM_000528.4 (MANE Select); the canonical splice acceptor site of the intron before coding-DNA position 1231, G replaced by C.
Molecular consequence: splice acceptor variant.
Genome position (GRCh38, 1-based): chr19:12,658,142, C>G on the plus strand (G>C on the coding strand, the complement: MAN2B1 is on the minus strand). VCF-style: chr19-12658142-C-G. GRCh37 (hg19) VCF-style: chr19-12768956-C-G.
Other names: c.1228-1G>C (NM_001173498.2).
Identifiers: ClinVar variation 3726004 (VCV003726004.2).
Genomic context (GRCh38, chr19:12,658,142, plus strand): 5'-GGAGCCATAGGGTCCCACGTTGGCCGCCAGGCCCACCAGCGCCTCCAGCTGGTTGCACAC[C>G]TGGAGGCAGAGGGGTATGTTGGGGCGCCCAGCCTGTCGGGCCTCGGGGCTGCATGCCCCC-3'

ClinVar aggregate classification (germline): Likely pathogenic (1 of 4 stars; one submission).

Conditions:
Deficiency of alpha-mannosidase (MANSA). Also called: Alpha-Mannosidosis; Mannosidosis, alpha-, types I and II; LYSOSOMAL ALPHA-D-MANNOSIDASE DEFICIENCY. Identifiers: Orphanet 61, MedGen C0024748, MONDO:0009561, OMIM 248500.

Submission:

Labcorp Genetics (formerly Invitae), Labcorp
Classification: Likely pathogenic for Deficiency of alpha-mannosidase. Last evaluated: 2024-11-25. Review status: criteria provided, single submitter. Criteria: Invitae Variant Classification Sherloc (09022015). Collection method: clinical testing. Allele origin: germline.
Comment: This sequence change affects an acceptor splice site in intron 9 of the MAN2B1 gene. It is expected to disrupt RNA splicing. Variants that disrupt the donor or acceptor splice site typically lead to a loss of protein function (PMID: 16199547), and loss-of-function variants in MAN2B1 are known to be pathogenic (PMID: 9915946, 22161967). This variant is not present in population databases (gnomAD no frequency). This variant has not been reported in the literature in individuals affected with MAN2B1-related conditions. Algorithms developed to predict the effect of sequence changes on RNA splicing suggest that this variant may disrupt the consensus splice site. In summary, the currently available evidence indicates that the variant is pathogenic, but additional data are needed to prove that conclusively. Therefore, this variant has been classified as Likely Pathogenic.

Literature cited by the submitters: PubMed 16199547; PubMed 9915946; PubMed 22161967.